The following is an entry in ClinVar:

NM_139076.3(ABRAXAS1):c.5A>T (p.Glu2Val)

Genes: ABRAXAS1 (abraxas 1, BRCA1 A complex subunit; minus strand), LOC129992784 (ATAC-STARR-seq lymphoblastoid silent region 15542; plus strand). Cytogenetic location: 4q21.23.
Variant type: single nucleotide variant.
Coding change: c.5A>T on transcript NM_139076.3 (MANE Select); coding-DNA position 5, A replaced by T.
Protein change: p.Glu2Val; replaces glutamic acid 2 with valine.
Molecular consequence: missense variant. On other transcripts: 5 prime UTR variant (1).
Genome position (GRCh38, 1-based): chr4:83,485,068, T>A on the plus strand (A>T on the coding strand, the complement: ABRAXAS1 is on the minus strand). VCF-style: chr4-83485068-T-A. GRCh37 (hg19) VCF-style: chr4-84406221-T-A.
Other names: c.-256A>T (NM_001345962.2); short protein forms E2V.
Identifiers: ClinVar variation 2715078 (VCV002715078.3), dbSNP rs1027841598, ClinGen allele CA100696832.

ClinVar aggregate classification (germline): Uncertain significance (1 of 4 stars; one submission).

gnomAD v4.1: 12 of 1,587,102 alleles (0.00076%); highest among the groups gnomAD compares: South Asian, 0.0011%; no homozygotes.

Submission:

Labcorp Genetics (formerly Invitae), Labcorp
Classification: Uncertain significance. Last evaluated: 2023-02-01. Review status: criteria provided, single submitter. Criteria: Invitae Variant Classification Sherloc (09022015). Collection method: clinical testing. Allele origin: germline.
Comment: This sequence change replaces glutamic acid, which is acidic and polar, with valine, which is neutral and non-polar, at codon 2 of the ABRAXAS1 protein (p.Glu2Val). This variant is present in population databases (no rsID available, gnomAD 0.001%). This variant has not been reported in the literature in individuals affected with ABRAXAS1-related conditions. Algorithms developed to predict the effect of missense changes on protein structure and function are either unavailable or do not agree on the potential impact of this missense change (SIFT: "Deleterious"; PolyPhen-2: "Possibly Damaging"; Align-GVGD: "Class C0"). In summary, the available evidence is currently insufficient to determine the role of this variant in disease. Therefore, it has been classified as a Variant of Uncertain Significance.